The following is an entry in ClinVar:

NM_016239.4(MYO15A):c.9083+1G>C

Gene: MYO15A (myosin XVA; plus strand). Cytogenetic location: 17p11.2.
Variant type: single nucleotide variant.
Coding change: c.9083+1G>C on transcript NM_016239.4 (MANE Select); the canonical splice donor site of the intron after coding-DNA position 9083, G replaced by C.
Molecular consequence: splice donor variant.
Genome position (GRCh38, 1-based): chr17:18,158,639, G>C. VCF-style: chr17-18158639-G-C. GRCh37 (hg19) VCF-style: chr17-18061953-G-C.
Identifiers: ClinVar variation 2824674 (VCV002824674.5), dbSNP rs776772238, ClinGen allele CA8425358.
Genomic context (GRCh38, chr17:18,158,639, plus strand): 5'-ACCCTACACAATGCTCGAGTTTGCCCAGAAGTATTTCCGAGACCCTCAGAGGAGACCCCA[G>C]TGAGTGGCGGCCCCACCCCTCTTCCCACAGTGGGAGGGTGCTGGGCTTCTTGCTGCCATC-3'

ClinVar aggregate classification (germline): Likely pathogenic. Review status: criteria provided, multiple submitters, no conflicts (2 of 4 stars). 2 submissions from 2 submitters: Likely pathogenic (2). Last evaluated 2025-01-13.

Conditions:
Autosomal recessive nonsyndromic hearing loss 3. Also called: NEUROSENSORY NONSYNDROMIC RECESSIVE DEAFNESS 3. Identifiers: Orphanet 90636, MedGen C1838263, MONDO:0010860, OMIM 600316.

Allele frequency attached by ClinVar (database versions not stated): ExAC 0.00001.
gnomAD v4.1: 1 of 1,613,920 alleles (0.000062%); highest among the groups gnomAD compares: Non-Finnish European, 0.000085%; no homozygotes.

Submissions (2):

Dasa
Classification: Likely pathogenic for Autosomal recessive nonsyndromic hearing loss 3. Last evaluated: 2025-01-13. Review status: criteria provided, single submitter. Criteria: DASA Assertion Criteria. Collection method: clinical testing. Allele origin: germline.
Comment: NM_016239.4(MYO15A):c.9083+1G>C affects a canonical splice site and is predicted to disrupt normal RNA splicing. Loss of function is an established disease mechanism for MYO15A-associated disorders. Also, this variant is rare in population databases. Based on the currently available evidence, this variant is classified as likely pathogenic.

Labcorp Genetics (formerly Invitae), Labcorp
Classification: Likely pathogenic. Last evaluated: 2024-02-23. Review status: criteria provided, single submitter. Criteria: Invitae Variant Classification Sherloc (09022015). Collection method: clinical testing. Allele origin: germline.
Comment: This sequence change affects a donor splice site in intron 52 of the MYO15A gene. It is expected to disrupt RNA splicing. Variants that disrupt the donor or acceptor splice site typically lead to a loss of protein function (PMID: 16199547), and loss-of-function variants in MYO15A are known to be pathogenic (PMID: 17546645). This variant is present in population databases (rs776772238, gnomAD 0.0009%). This variant has not been reported in the literature in individuals affected with MYO15A-related conditions. Algorithms developed to predict the effect of sequence changes on RNA splicing suggest that this variant may disrupt the consensus splice site. In summary, the currently available evidence indicates that the variant is pathogenic, but additional data are needed to prove that conclusively. Therefore, this variant has been classified as Likely Pathogenic.

Literature cited by the submitters: PubMed 16199547 (cited by Labcorp Genetics (formerly Invitae), Labcorp); PubMed 17546645 (cited by Labcorp Genetics (formerly Invitae), Labcorp).